The following is an entry in ClinVar:

NM_001127671.2(LIFR):c.364A>G (p.Thr122Ala)

Gene: LIFR (LIF receptor subunit alpha; minus strand). Cytogenetic location: 5p13.1.
Variant type: single nucleotide variant.
Coding change: c.364A>G on transcript NM_001127671.2 (MANE Select); coding-DNA position 364, A replaced by G.
Protein change: p.Thr122Ala; replaces threonine 122 with alanine.
Molecular consequence: missense variant.
Genome position (GRCh38, 1-based): chr5:38,527,188, T>C on the plus strand (A>G on the coding strand, the complement: LIFR is on the minus strand). VCF-style: chr5-38527188-T-C. GRCh37 (hg19) VCF-style: chr5-38527290-T-C.
Other names: c.364A>G, p.Thr122Ala (NM_001364297.2, NM_001364298.2, NM_002310.6); short protein forms T122A.
Identifiers: ClinVar variation 283380 (VCV000283380.28), dbSNP rs145163157, ClinGen allele CA3243248.

ClinVar aggregate classification (germline): Conflicting classifications of pathogenicity. Review status: criteria provided, conflicting classifications (1 of 4 stars). 5 submissions from 5 submitters: Uncertain significance (4); Likely benign (1). Last evaluated 2026-01-16.

Conditions:
Stuve-Wiedemann syndrome (STWS). Also called: Stüve-Wiedemann syndrome. Identifiers: Orphanet 3206, MedGen C0796176, MONDO:0031280.

Allele frequency attached by ClinVar (database versions not stated): gnomAD exomes 0.00010 and 0.00026; ExAC 0.00031; ESP Exome Variant Server 0.00092; gnomAD 0.00124 and 0.00131; TOPMed 0.00153; 1000 Genomes Project 0.00180; 1000 Genomes Project 30x 0.00219.
gnomAD v4.1: 349 of 1,593,666 alleles (0.022%); highest among the groups gnomAD compares: African/African-American, 0.38%; 1 homozygote.

Submissions (5):

Labcorp Genetics (formerly Invitae), Labcorp
Classification: Likely benign. Last evaluated: 2026-01-16. Review status: criteria provided, single submitter. Criteria: Invitae Variant Classification Sherloc (09022015). Collection method: clinical testing. Allele origin: germline.

GeneDx
Classification: Uncertain significance. Last evaluated: 2023-12-18. Review status: criteria provided, single submitter. Criteria: GeneDx Variant Classification Process June 2021. Collection method: clinical testing. Allele origin: germline. Affected: yes.
Comment: In silico analysis supports that this missense variant does not alter protein structure/function; Has not been previously published as pathogenic or benign to our knowledge

ARUP Laboratories, Molecular Genetics and Genomics, ARUP Laboratories
Classification: Uncertain significance for Stüve-Wiedemann syndrome 1. Last evaluated: 2019-11-08. Review status: criteria provided, single submitter. Criteria: ARUP Molecular Germline Variant Investigation Process. Collection method: clinical testing. Allele origin: germline.
Comment: The LIFR c.364A>G; p.Thr122Ala variant (rs145163157), to our knowledge, is not reported in the medical literature but is reported in ClinVar (Variation ID: 283380). This variant is found in the African population with an allele frequency of 0.35% (86/24,768 alleles) in the Genome Aggregation Database. The threonine at codon 122 is weakly conserved, and computational algorithms (PolyPhen-2, SIFT) predict that this variant is benign. However, due to limited information, the clinical significance of this variant is uncertain at this time.

Fulgent Genetics
Classification: Uncertain significance for Stüve-Wiedemann syndrome 1. Last evaluated: 2018-10-31. Review status: criteria provided, single submitter. Criteria: ACMG Guidelines, 2015. Collection method: clinical testing. Allele origin: unknown.

Eurofins Ntd Llc (ga)
Classification: Uncertain significance. Last evaluated: 2015-10-12. Review status: criteria provided, single submitter. Criteria: EGL Classification Definitions 2015. Collection method: clinical testing. Allele origin: germline. Observed: 1 variant allele, 1 heterozygote.